The following is an entry in ClinVar:

ClinVar aggregate classification (germline): Uncertain significance. Review status: criteria provided, multiple submitters, no conflicts (2 of 4 stars). 2 submissions from 2 submitters: Uncertain significance (2). Last evaluated 2026-05-20.

Conditions:
Cardiovascular phenotype. Identifiers: MedGen CN230736.
Arrhythmogenic right ventricular dysplasia 10. Also called: Arrhythmogenic Right Ventricular Dysplasia/Cardiomyopathy10; ARRHYTHMOGENIC RIGHT VENTRICULAR DYSPLASIA, FAMILIAL, 10; Arrhythmogenic right ventricular dysplasia/cardiomyopathy, type 10. Identifiers: MedGen C1857777, MONDO:0012434, OMIM 610193.

Submissions (2):

Ambry Genetics
Classification: Uncertain significance for Cardiovascular phenotype. Last evaluated: 2026-05-20. Review status: criteria provided, single submitter. Criteria: Ambry Variant Classification Scheme 2023. Collection method: clinical testing. Allele origin: germline.
Comment: The p.L44V variant (also known as c.130T>G), located in coding exon 3 of the DSG2 gene, results from a T to G substitution at nucleotide position 130. The leucine at codon 44 is replaced by valine, an amino acid with highly similar properties. This amino acid position is conserved. In addition, this alteration is predicted to be tolerated by in silico analysis. Based on the available evidence, the clinical significance of this variant remains unclear.

Labcorp Genetics (formerly Invitae), Labcorp
Classification: Uncertain significance for Arrhythmogenic right ventricular dysplasia 10. Last evaluated: 2022-03-30. Review status: criteria provided, single submitter. Criteria: Invitae Variant Classification Sherloc (09022015). Collection method: clinical testing. Allele origin: germline.
Comment: In summary, the available evidence is currently insufficient to determine the role of this variant in disease. Therefore, it has been classified as a Variant of Uncertain Significance. Algorithms developed to predict the effect of missense changes on protein structure and function are either unavailable or do not agree on the potential impact of this missense change (SIFT: "Tolerated"; PolyPhen-2: "Possibly Damaging"; Align-GVGD: "Class C0"). This variant has not been reported in the literature in individuals affected with DSG2-related conditions. This variant is not present in population databases (gnomAD no frequency). This sequence change replaces leucine, which is neutral and non-polar, with valine, which is neutral and non-polar, at codon 44 of the DSG2 protein (p.Leu44Val).

NM_001943.5(DSG2):c.130T>G (p.Leu44Val)

Gene: DSG2 (desmoglein 2; plus strand). Cytogenetic location: 18q12.1.
Variant type: single nucleotide variant.
Coding change: c.130T>G on transcript NM_001943.5 (MANE Select); coding-DNA position 130, T replaced by G.
Protein change: p.Leu44Val; replaces leucine 44 with valine.
Molecular consequence: missense variant.
Genome position (GRCh38, 1-based): chr18:31,519,851, T>G. VCF-style: chr18-31519851-T-G. GRCh37 (hg19) VCF-style: chr18-29099814-T-G.
Other names: short protein forms L44V.
Identifiers: ClinVar variation 2113129 (VCV002113129.5), dbSNP rs2073117187, ClinGen allele CA402130731.